The following is an entry in ClinVar:

ClinVar aggregate classification (germline): Uncertain significance (1 of 4 stars; one submission).

Submission:

GeneDx
Classification: Uncertain significance. Last evaluated: 2024-02-27. Review status: criteria provided, single submitter. Criteria: GeneDx Variant Classification Process June 2021. Collection method: clinical testing. Allele origin: germline. Affected: yes.
Comment: Nonsense variant predicted to result in protein truncation or nonsense mediated decay in a gene or region of a gene for which loss of function is not a well-established mechanism of disease; Has not been previously published as pathogenic or benign to our knowledge

NM_017852.5(NLRP2):c.567C>A (p.Tyr189Ter)

Gene: NLRP2 (NLR family pyrin domain containing 2; plus strand). Cytogenetic location: 19q13.42.
Variant type: single nucleotide variant.
Coding change: c.567C>A on transcript NM_017852.5 (MANE Select); coding-DNA position 567, C replaced by A.
Protein change: p.Tyr189Ter; replaces tyrosine 189 with a stop codon.
Molecular consequence: nonsense. On other transcripts: non-coding transcript variant (1).
Genome position (GRCh38, 1-based): chr19:54,982,265, C>A. VCF-style: chr19-54982265-C-A. GRCh37 (hg19) VCF-style: chr19-55493633-C-A.
Other names: c.567C>A, p.Tyr189Ter (NM_001174081.3); c.501C>A, p.Tyr167Ter (NM_001174082.3); c.498C>A, p.Tyr166Ter (NM_001174083.2); c.558C>A, p.Tyr186Ter (NM_001348003.2); short protein forms Y166*, Y167*, Y186*, Y189*.
Identifiers: ClinVar variation 3373437 (VCV003373437.1).